The following is an entry in ClinVar:

NM_203447.4(DOCK8):c.701G>A (p.Arg234Lys)

Gene: DOCK8 (dedicator of cytokinesis 8; plus strand). Cytogenetic location: 9p24.3.
Variant type: single nucleotide variant.
Coding change: c.701G>A on transcript NM_203447.4 (MANE Select); coding-DNA position 701, G replaced by A.
Protein change: p.Arg234Lys; replaces arginine 234 with lysine.
Molecular consequence: missense variant.
Genome position (GRCh38, 1-based): chr9:312,126, G>A. VCF-style: chr9-312126-G-A. GRCh37 (hg19) VCF-style: chr9-312126-G-A.
Other names: c.497G>A, p.Arg166Lys (NM_001190458.2, NM_001193536.2); short protein forms R234K, R166K.
Identifiers: ClinVar variation 915000 (VCV000915000.8), dbSNP rs2050147330, ClinGen allele CA372760778.

ClinVar aggregate classification (germline): Uncertain significance. Review status: criteria provided, multiple submitters, no conflicts (2 of 4 stars). 2 submissions from 2 submitters: Uncertain significance (2). Last evaluated 2021-08-26.

Conditions:
Combined immunodeficiency due to DOCK8 deficiency (HIES2). Also called: HIES autosomal recessive; HYPER-IgE RECURRENT INFECTION SYNDROME 2, AUTOSOMAL RECESSIVE; DOCK8 Deficiency; HYPER-IgE SYNDROME 2, AUTOSOMAL RECESSIVE, WITH RECURRENT INFECTIONS; Hyper-IgE recurrent infection syndrome, autosomal recessive. Identifiers: Orphanet 217390, MedGen C4722305, MONDO:0009478, OMIM 243700.

gnomAD v4.1: 3 of 1,614,214 alleles (0.00019%); no homozygotes.

Submissions (2):

Labcorp Genetics (formerly Invitae), Labcorp
Classification: Uncertain significance for Combined immunodeficiency due to DOCK8 deficiency. Last evaluated: 2021-08-26. Review status: criteria provided, single submitter. Criteria: Invitae Variant Classification Sherloc (09022015). Collection method: clinical testing. Allele origin: germline.
Comment: This sequence change replaces arginine with lysine at codon 234 of the DOCK8 protein (p.Arg234Lys). The arginine residue is highly conserved and there is a small physicochemical difference between arginine and lysine. This variant is not present in population databases (ExAC no frequency). This variant has not been reported in the literature in individuals affected with DOCK8-related conditions. ClinVar contains an entry for this variant (Variation ID: 915000). Algorithms developed to predict the effect of missense changes on protein structure and function are either unavailable or do not agree on the potential impact of this missense change (SIFT: "Tolerated"; PolyPhen-2: "Probably Damaging"; Align-GVGD: "Class C0"). In summary, the available evidence is currently insufficient to determine the role of this variant in disease. Therefore, it has been classified as a Variant of Uncertain Significance.

Illumina Laboratory Services, Illumina
Classification: Uncertain significance for Combined immunodeficiency due to DOCK8 deficiency. Last evaluated: 2018-01-12. Review status: criteria provided, single submitter. Criteria: ICSL Variant Classification Criteria 13 December 2019. Collection method: clinical testing. Allele origin: germline.